The following is an entry in ClinVar:

NM_000179.3(MSH6):c.475G>T (p.Ala159Ser)

Gene: MSH6 (mutS homolog 6; plus strand). Cytogenetic location: 2p16.3.
Variant type: single nucleotide variant.
Coding change: c.475G>T on transcript NM_000179.3 (MANE Select); coding-DNA position 475, G replaced by T.
Protein change: p.Ala159Ser; replaces alanine 159 with serine.
Molecular consequence: missense variant. On other transcripts: 5 prime UTR variant (1), intron variant (2).
Genome position (GRCh38, 1-based): chr2:47,795,911, G>T. VCF-style: chr2-47795911-G-T. GRCh37 (hg19) VCF-style: chr2-48023050-G-T.
Other names: c.-428G>T (NM_001281494.2); c.-279-2700G>T (NM_001281493.2); c.238-2700G>T (NM_001281492.2); short protein forms A159S.
Identifiers: ClinVar variation 825152 (VCV000825152.15), dbSNP rs1553411396, ClinGen allele CA346738594.

ClinVar aggregate classification (germline): Uncertain significance. Review status: criteria provided, multiple submitters, no conflicts (2 of 4 stars). 4 submissions from 4 submitters: Uncertain significance (4). Last evaluated 2025-11-10.

Conditions:
Hereditary nonpolyposis colorectal neoplasms. Identifiers: MedGen C0009405, MeSH D003123.
Hereditary cancer-predisposing syndrome. Also called: Neoplastic Syndromes, Hereditary; Tumor predisposition; Hereditary neoplastic syndrome; Hereditary Cancer Syndrome. Identifiers: Orphanet 140162, MedGen C0027672, MeSH D009386, MONDO:0015356.

Submissions (4):

Labcorp Genetics (formerly Invitae), Labcorp
Classification: Uncertain significance for Hereditary nonpolyposis colorectal neoplasms. Last evaluated: 2025-11-10. Review status: criteria provided, single submitter. Criteria: Invitae Variant Classification Sherloc (09022015). Collection method: clinical testing. Allele origin: germline.
Comment: This sequence change replaces alanine, which is neutral and non-polar, with serine, which is neutral and polar, at codon 159 of the MSH6 protein (p.Ala159Ser). This variant is not present in population databases (gnomAD no frequency). This variant has not been reported in the literature in individuals affected with MSH6-related conditions. ClinVar contains an entry for this variant (Variation ID: 825152). Invitae Evidence Modeling of protein sequence and biophysical properties (such as structural, functional, and spatial information, amino acid conservation, physicochemical variation, residue mobility, and thermodynamic stability) indicates that this missense variant is not expected to disrupt MSH6 protein function with a negative predictive value of 95%. In summary, the available evidence is currently insufficient to determine the role of this variant in disease. Therefore, it has been classified as a Variant of Uncertain Significance.

Color Diagnostics, LLC DBA Color Health
Classification: Uncertain significance for Hereditary cancer-predisposing syndrome. Last evaluated: 2024-03-06. Review status: criteria provided, single submitter. Criteria: ACMG Guidelines, 2015. Collection method: clinical testing. Allele origin: germline.
Comment: This missense variant replaces alanine with serine at codon 159 of the MSH6 protein. Computational prediction suggests that this variant may not impact protein structure and function (internally defined REVEL score threshold <= 0.5, PMID: 27666373). To our knowledge, functional studies have not been reported for this variant. This variant has not been reported in individuals affected with hereditary cancer in the literature. This variant has not been identified in the general population by the Genome Aggregation Database (gnomAD). The available evidence is insufficient to determine the role of this variant in disease conclusively. Therefore, this variant is classified as a Variant of Uncertain Significance.

GeneDx
Classification: Uncertain significance. Last evaluated: 2021-05-24. Review status: criteria provided, single submitter. Criteria: GeneDx Variant Classification Process June 2021. Collection method: clinical testing. Allele origin: germline. Affected: yes.
Comment: Not observed at a significant frequency in large population cohorts (Lek 2016); In silico analysis supports that this missense variant does not alter protein structure/function; Has not been previously published as pathogenic or benign to our knowledge

Ambry Genetics
Classification: Uncertain significance for Hereditary cancer-predisposing syndrome. Last evaluated: 2019-02-12. Review status: criteria provided, single submitter. Criteria: Ambry Variant Classification Scheme 2023. Collection method: clinical testing. Allele origin: germline.
Comment: The p.A159S variant (also known as c.475G>T), located in coding exon 3 of the MSH6 gene, results from a G to T substitution at nucleotide position 475. The alanine at codon 159 is replaced by serine, an amino acid with similar properties. This amino acid position is well conserved in available vertebrate species. In addition, this alteration is predicted to be tolerated by in silico analysis. In addition, the CoDP in silico tool predicts this alteration to have minor impact on molecular function, with a score of 0.000 (Terui H et al. J. Biomed. Sci. 2013 Apr;20:25). Since supporting evidence is limited at this time, the clinical significance of this alteration remains unclear.